The following is an entry in ClinVar:

NM_000202.8(IDS):c.307T>G (p.Tyr103Asp)

Gene: IDS (iduronate 2-sulfatase; minus strand). Cytogenetic location: Xq28.
Variant type: single nucleotide variant.
Coding change: c.307T>G on transcript NM_000202.8 (MANE Select); coding-DNA position 307, T replaced by G.
Protein change: p.Tyr103Asp; replaces tyrosine 103 with aspartic acid.
Molecular consequence: missense variant. On other transcripts: non-coding transcript variant (1).
Genome position (GRCh38, 1-based): chrX:149,503,423, A>C on the plus strand (T>G on the coding strand, the complement: IDS is on the minus strand). VCF-style: chrX-149503423-A-C. GRCh37 (hg19) VCF-style: chrX-148584953-A-C.
Other names: c.37T>G, p.Tyr13Asp (NM_001166550.4); c.307T>G, p.Tyr103Asp (NM_006123.5); short protein forms Y103D, Y13D.
Identifiers: ClinVar variation 988674 (VCV000988674.3), dbSNP rs2089496667, ClinGen allele CA414526498.

ClinVar aggregate classification (germline): Likely pathogenic. Review status: criteria provided, single submitter (1 of 4 stars). 2 submissions from 2 submitters: Likely pathogenic (1). 1 of the submissions does not count toward it. Last evaluated 2024-06-07.

Conditions:
Mucopolysaccharidosis, MPS-II (MPS2). Also called: IDS deficiency; Sulfoiduronate sulfatase deficiency; SIDS deficiency; Mucopolysaccharidosis type 2; Mucopolysaccharidosis Type II; Attenuated MPS (subtype; formerly known as mild MPS II). Identifiers: Orphanet 580, Orphanet 79388, MedGen C0026705, MONDO:0010674, OMIM 309900.

Submissions (2):

Laboratory of Diagnosis and Therapy of Lysosomal Disorders, University of Padova
Classification: Likely pathogenic for Mucopolysaccharidosis, MPS-II. Last evaluated: 2024-06-07. Review status: criteria provided, single submitter. Criteria: ACMG Guidelines, 2015. Collection method: literature only. Allele origin: germline. Affected: yes. Observed: 1 variant allele.
Comment: Absent from controls (or at low frequency) in gnomAD database (PM2_Moderate), Missense variant in a gene with a low rate of benign missense variation (PP2_Supporting), Multiple lines of computational evidence support a deleterious effect (PP3_Supporting), Patient’s phenotype or family history highly specific for the disease (PP4_Strong)

Classification method: ACMG Guidelines [PMID:25741868] with modifications

Laboratory of Inherited Metabolic Diseases, Research centre for medical genetics
Classification: Pathogenic for Mucopolysaccharidosis, type II; MPS2. Review status: no assertion criteria provided. Collection method: research. Allele origin: germline. Affected: yes. Not counted in ClinVar's aggregate classification.

Literature cited by the submitters: PubMed 33676511 (cited by Laboratory of Diagnosis and Therapy of Lysosomal Disorders, University of Padova).